The following is an entry in ClinVar:

NM_014795.4(ZEB2):c.3203del (p.Gly1068fs)

Gene: ZEB2 (zinc finger E-box binding homeobox 2; minus strand). Cytogenetic location: 2q22.3.
Variant type: Deletion.
Coding change: c.3203del on transcript NM_014795.4 (MANE Select); coding-DNA position 3203, one base deleted (G; older notation c.3203delG).
Protein change: p.Gly1068fs; shifts the reading frame from glycine 1068.
Molecular consequence: frameshift variant.
Genome position (GRCh38, 1-based): chr2:144,389,893, C deleted on the plus strand (G on the coding strand, the reverse complement: ZEB2 is on the minus strand); the first of 3 consecutive C bases (chr2:144,389,893-144,389,895); deleting any one gives the same sequence. VCF-style (leftmost placement, unchanged base first): chr2-144389892-GC-G. GRCh37 (hg19) VCF-style: chr2-145147459-GC-G.
Other names: c.3131del, p.Gly1044fs (NM_001171653.2); short protein forms G1044fs, G1068fs.
Identifiers: ClinVar variation 2014893 (VCV002014893.4), dbSNP rs2549101914, ClinGen allele CA2580063846.

ClinVar aggregate classification (germline): Pathogenic (1 of 4 stars; one submission).

Conditions:
Mowat-Wilson syndrome (MOWS). Also called: Classic Mowat-Wilson Syndrome. Identifiers: Orphanet 2152, MedGen C1856113, MONDO:0009341, OMIM 235730.

Submission:

Labcorp Genetics (formerly Invitae), Labcorp
Classification: Pathogenic for Mowat-Wilson syndrome. Last evaluated: 2022-07-07. Review status: criteria provided, single submitter. Criteria: Invitae Variant Classification Sherloc (09022015). Collection method: clinical testing. Allele origin: germline.
Comment: This variant is not present in population databases (gnomAD no frequency). This variant has not been reported in the literature in individuals affected with ZEB2-related conditions. This variant disrupts a region of the ZEB2 protein in which other variant(s) (p.Gln1119Arg) have been determined to be pathogenic (PMID: 16688751). This suggests that this is a clinically significant region of the protein, and that variants that disrupt it are likely to be disease-causing. For these reasons, this variant has been classified as Pathogenic. This sequence change creates a premature translational stop signal (p.Gly1068Alafs*7) in the ZEB2 gene. While this is not anticipated to result in nonsense mediated decay, it is expected to disrupt the last 147 amino acid(s) of the ZEB2 protein.

Literature cited by the submitters: PubMed 16688751.